The following is an entry in ClinVar:

ClinVar aggregate classification (germline): Conflicting classifications of pathogenicity. Review status: criteria provided, conflicting classifications (1 of 4 stars). 21 submissions from 21 submitters: Pathogenic (3); Likely pathogenic (9); Uncertain significance (4); Likely benign (1). 4 of the submissions do not count toward it. Last evaluated 2026-06-01.

Conditions:
KCNH2-related disorder. Also called: KCNH2-related disorders; KCNH2-related condition.
Cardiac arrhythmia. Also called: Arrhythmia; Cardiac rhythm disease. Identifiers: MedGen C0003811, MONDO:0007263, HP:0011675.
Cardiovascular phenotype. Identifiers: MedGen CN230736.
Familial long QT syndrome (RWS). Also called: Congenital long QT syndrome; Romano-Ward syndrome; VENTRICULAR FIBRILLATION WITH PROLONGED QT INTERVAL. Identifiers: Orphanet 768, MedGen C1141890, MONDO:0019171.
Short QT syndrome type 1. Identifiers: Orphanet 51083, MedGen C1865020, MONDO:0012312, OMIM 609620.
Long QT syndrome 2 (LQT2). Identifiers: Orphanet 101016, Orphanet 768, MedGen C3150943, MONDO:0013367, OMIM 613688.
Long QT syndrome (LQTS). Identifiers: MedGen C0023976, MeSH D008133, MONDO:0002442. Disease mechanism: loss of function. Inheritance: Various modes of inheritance.

Allele frequency attached by ClinVar (database versions not stated): TOPMed 0.00005; gnomAD 0.00004; gnomAD exomes 0.00007.

Submissions 1 to 8 of 21:

CeGaT Center for Human Genetics Tuebingen
Classification: Likely pathogenic. Last evaluated: 2026-06-01. Review status: criteria provided, single submitter. Criteria: CeGaT Center For Human Genetics Tuebingen Variant Classification Criteria Version 2. Collection method: clinical testing. Allele origin: germline. Affected: yes. Observed: 4 variant alleles.
Comment: KCNH2: PP1:Strong, PM2, PS4:Moderate, PS3:Supporting

Institute of Human Genetics, University of Leipzig Medical Center
Classification: Likely pathogenic for Long QT syndrome 2. Last evaluated: 2026-05-05. Review status: criteria provided, single submitter. Criteria: ACMG Guidelines, 2015. Collection method: clinical testing. Allele origin: unknown. Inheritance: Autosomal dominant inheritance. Affected: yes.
Comment: Criteria applied: PS4,PS3_MOD,PP1,PP3

Labcorp Genetics (formerly Invitae), Labcorp
Classification: Pathogenic for Long QT syndrome. Last evaluated: 2026-01-21. Review status: criteria provided, single submitter. Criteria: Invitae Variant Classification Sherloc (09022015). Collection method: clinical testing. Allele origin: germline.
Comment: This sequence change replaces serine, which is neutral and polar, with leucine, which is neutral and non-polar, at codon 906 of the KCNH2 protein (p.Ser906Leu). This variant is present in population databases (rs199473435, gnomAD 0.01%). This missense change has been observed in individuals with clinical features of long QT syndrome. It has been shown to exhibit reduced penetrance (PMID: 19716085, 26743238, 31737537, 36269083; internal data). It has also been observed to segregate with disease in related individuals. ClinVar contains an entry for this variant (Variation ID: 67429). An algorithm developed to predict the effect of missense changes on protein structure and function (PolyPhen-2) suggests that this variant is likely to be tolerated. Experimental studies have shown that this missense change affects KCNH2 function (PMID: 36269083). For these reasons, this variant has been classified as Pathogenic.

Greenwood Genetic Center Diagnostic Laboratories, Greenwood Genetic Center
Classification: Likely pathogenic for Long QT syndrome 2. Last evaluated: 2025-10-20. Review status: criteria provided, single submitter. Criteria: ACMG Guidelines, 2015. Collection method: clinical testing. Allele origin: germline.
Comment: PS3, PP3, PM2_Supporting

Variantyx, Inc.
Classification: Likely pathogenic for Long QT syndrome 2. Last evaluated: 2025-09-10. Review status: criteria provided, single submitter. Criteria: Variantyx Assertion Criteria 2022. Collection method: clinical testing. Allele origin: germline. Inheritance: Autosomal recessive inheritance.
Comment: This is a nonsynonymous variant in the KCNH2 gene (OMIM: 152427). Pathogenic variants in this gene have been associated with autosomal dominant long QT syndrome 2. This variant has been reported in at least 4 unrelated affected individuals (PMID: 19716085, 26743238, 31737537, 36269083) (PS4_Moderate) and has been observed to segregate with disease in at least 7 individuals from 4 families (PMID: 36269083) (PP1_Moderate). Functional studies have shown that this variant alters KCNH2 protein function (PMID: 36269083) (PS3_Moderate), and multiple computational algorithms predict a deleterious effect for this variant (REVEL score: 0.758) (PP3). This variant has a 0.0095% maximum allele frequency in non-founder control populations (PM2). Based on the current evidence, this variant is classified as likely pathogenic for autosomal dominant long QT syndrome 2.

Color Diagnostics, LLC DBA Color Health
Classification: Likely pathogenic for Cardiac arrhythmia. Last evaluated: 2025-06-11. Review status: criteria provided, single submitter. Criteria: ACMG Guidelines, 2015. Collection method: clinical testing. Allele origin: germline.
Comment: This missense variant replaces serine with leucine at codon 906 of the KCNH2 protein. Computational prediction suggests that this variant may have deleterious impact on protein structure and function. A functional study has shown that this variant causes a reduction in potassium current density (PMID: 36269083). This variant has been reported in 15 unrelated individuals affected with long QT syndrome, idiopathic ventricular fibrillation, or suspected of having long QT syndrome (PMID: 19716085, 26743238, 31737537, 31114860, 32893267, 36269083, ClinVar SCV000260666.6). It has been shown that this variant segregates with disease in multiple families of these individuals (PMID: 36269083). One of the probands carried a second known pathogenic variant in the KCNQ1 gene (PMID: 36269083). This variant has also been reported in an individual suspected of having Brugada syndrome as well as in a stillbirth case (PMID: 30615648, 36269083). This variant has been identified in 9/124636 chromosomes (6/45878 Non-Finnish European chromosomes, 0.0130%) in the general population by the Genome Aggregation Database (gnomAD). Based on the available evidence, this variant is classified as Likely Pathogenic. The elevated allele frequency of this variant in the general population suggests this variant may show reduced penetrance.

Dasa
Classification: Likely pathogenic. Last evaluated: 2025-04-10. Review status: criteria provided, single submitter. Criteria: DASA Assertion Criteria. Collection method: clinical testing. Allele origin: germline.
Comment: NM_000238.4(KCNH2):c.2717C>T (p.Ser906Leu) is a missense variant that results in the substitution of serine with leucine. This variant has been recurrently observed in individuals with KCNH2-related disorders (PMID: 19716085; PMID: 26743238; PMID: 31737537; PMID: 31114860; PMID: 32893267). Segregation data support an association with disease in the reported family/families (PMID: 19716085; PMID: 26743238; PMID: 31737537; PMID: 31114860; PMID: 32893267). Functional evidence supports an impact on the gene or gene product. Also, this variant is rare in population databases. Computational evidence supports a deleterious effect. Based on the currently available evidence, this variant is classified as likely pathogenic.

Women's Health and Genetics/Laboratory Corporation of America, LabCorp
Classification: Pathogenic for Long QT syndrome. Last evaluated: 2024-10-28. Review status: criteria provided, single submitter. Criteria: LabCorp Variant Classification Summary - May 2015. Collection method: clinical testing. Allele origin: germline.
Comment: Variant summary: KCNH2 c.2717C>T (p.Ser906Leu) results in a non-conservative amino acid change in the encoded protein sequence. Three of five in-silico tools predict a damaging effect of the variant on protein function. The variant allele was found at a frequency of 7.2e-05 in 124636 control chromosomes. c.2717C>T has been reported in the literature in the heterozygous state multiple individuals affected with Long QT Syndrome and segregated with disease in multiple families and showed reduced penetrance (Kapplinger_2009, Coopier_2023). These data indicate that the variant is very likely to be associated with disease. At least one publication reports experimental evidence evaluating an impact on protein function (Copier_2023). The following publications have been ascertained in the context of this evaluation (PMID: 36269083, 19716085). ClinVar contains an entry for this variant (Variation ID: 67429). Based on the evidence outlined above, the variant was classified as pathogenic.

NM_000238.4(KCNH2):c.2717C>T (p.Ser906Leu)

Gene: KCNH2 (potassium voltage-gated channel subfamily H member 2; minus strand). Cytogenetic location: 7q36.1.
Variant type: single nucleotide variant.
Coding change: c.2717C>T on transcript NM_000238.4 (MANE Select); coding-DNA position 2717, C replaced by T.
Protein change: p.Ser906Leu; replaces serine 906 with leucine.
Molecular consequence: missense variant.
Genome position (GRCh38, 1-based): chr7:150,947,854, G>A on the plus strand (C>T on the coding strand, the complement: KCNH2 is on the minus strand). VCF-style: chr7-150947854-G-A. GRCh37 (hg19) VCF-style: chr7-150644942-G-A.
Other names: c.1697C>T, p.Ser566Leu (NM_172057.3); c.2717C>T (LRG_288t1); short protein forms S566L, S906L.
Identifiers: ClinVar variation 67429 (VCV000067429.54), dbSNP rs199473435, ClinGen allele CA007206.